The following is an entry in ClinVar:

ClinVar aggregate classification (germline): Uncertain significance (1 of 4 stars; one submission).

Conditions:
Glaucoma 1, open angle, E. Identifiers: MedGen C1842026, MONDO:0007665.
Primary open angle glaucoma (POAG). Also called: OPTN-related open angle glaucoma. Identifiers: MedGen C0339573, MONDO:0100553, OMIM 137760.
Amyotrophic lateral sclerosis type 12 (ALS12). Also called: AMYOTROPHIC LATERAL SCLEROSIS 12 WITH OR WITHOUT FRONTOTEMPORAL DEMENTIA. Identifiers: Orphanet 803, MedGen C3150692, MONDO:0013264, OMIM 613435.

gnomAD v4.1: 22 of 1,614,018 alleles (0.0014%); highest among the groups gnomAD compares: Non-Finnish European, 0.0019%; no homozygotes.

Submission:

Labcorp Genetics (formerly Invitae), Labcorp
Classification: Uncertain significance for Primary open angle glaucoma; Glaucoma 1, open angle, E; Amyotrophic lateral sclerosis type 12. Last evaluated: 2024-05-02. Review status: criteria provided, single submitter. Criteria: Invitae Variant Classification Sherloc (09022015). Collection method: clinical testing. Allele origin: germline.
Comment: This sequence change replaces histidine, which is basic and polar, with arginine, which is basic and polar, at codon 521 of the OPTN protein (p.His521Arg). This variant is present in population databases (rs141335685, gnomAD 0.002%). This variant has not been reported in the literature in individuals affected with OPTN-related conditions. Advanced modeling of protein sequence and biophysical properties (such as structural, functional, and spatial information, amino acid conservation, physicochemical variation, residue mobility, and thermodynamic stability) performed at Invitae indicates that this missense variant is expected to disrupt OPTN protein function with a positive predictive value of 80%. In summary, the available evidence is currently insufficient to determine the role of this variant in disease. Therefore, it has been classified as a Variant of Uncertain Significance.

NM_001008212.2(OPTN):c.1562A>G (p.His521Arg)

Gene: OPTN (optineurin; plus strand). Cytogenetic location: 10p13.
Variant type: single nucleotide variant.
Coding change: c.1562A>G on transcript NM_001008212.2 (MANE Select); coding-DNA position 1562, A replaced by G.
Protein change: p.His521Arg; replaces histidine 521 with arginine.
Molecular consequence: missense variant.
Genome position (GRCh38, 1-based): chr10:13,133,531, A>G. VCF-style: chr10-13133531-A-G. GRCh37 (hg19) VCF-style: chr10-13175531-A-G.
Other names: c.1562A>G, p.His521Arg (NM_001008211.1, NM_001008213.1, NM_021980.4); short protein forms H521R.
Identifiers: ClinVar variation 3749936 (VCV003749936.2).
Genomic context (GRCh38, chr10:13,133,531, plus strand): 5'-TCACACAGCGTGTTGCTTTTCGTCCTGGCAGGCAGTCCTTGATGGAGATGCAGAGTCGTC[A>G]TGGGGCGAGAACAAGTGACTCTGACCAGCAGGCTTACCTTGTTCAAAGAGGTGAGTCCCG-3'
Protein context (NP_001008213.1, residues 511-531): RQSLMEMQSR[His521Arg]GARTSDSDQQ